The following is an entry in ClinVar:

ClinVar aggregate classification (germline): Uncertain significance (1 of 4 stars; one submission).

Conditions:
Hepatic veno-occlusive disease-immunodeficiency syndrome. Also called: Hepatic Veno-Occlusive Disease with Immunodeficiency. Identifiers: Orphanet 79124, MedGen C1856128, MONDO:0009338, OMIM 235550. Disease mechanism: loss of function.

gnomAD v4.1: 3 of 1,604,444 alleles (0.00019%); highest among the groups gnomAD compares: Non-Finnish European, 0.000085%; no homozygotes.

Submission:

Labcorp Genetics (formerly Invitae), Labcorp
Classification: Uncertain significance for Hepatic veno-occlusive disease-immunodeficiency syndrome. Last evaluated: 2022-08-09. Review status: criteria provided, single submitter. Criteria: Invitae Variant Classification Sherloc (09022015). Collection method: clinical testing. Allele origin: germline.
Comment: In summary, the available evidence is currently insufficient to determine the role of this variant in disease. Therefore, it has been classified as a Variant of Uncertain Significance. Algorithms developed to predict the effect of missense changes on protein structure and function output the following: SIFT: "Tolerated"; PolyPhen-2: "Benign"; Align-GVGD: "Class C0". The arginine amino acid residue is found in multiple mammalian species, which suggests that this missense change does not adversely affect protein function. ClinVar contains an entry for this variant (Variation ID: 970421). This variant has not been reported in the literature in individuals affected with SP110-related conditions. This variant is not present in population databases (gnomAD no frequency). This sequence change replaces serine, which is neutral and polar, with arginine, which is basic and polar, at codon 437 of the SP110 protein (p.Ser437Arg).

NM_080424.4(SP110):c.1311C>A (p.Ser437Arg)

Gene: SP110 (SP110 nuclear body protein; minus strand). Cytogenetic location: 2q37.1.
Variant type: single nucleotide variant.
Coding change: c.1311C>A on transcript NM_080424.4 (MANE Select); coding-DNA position 1311, C replaced by A.
Protein change: p.Ser437Arg; replaces serine 437 with arginine.
Molecular consequence: missense variant.
Genome position (GRCh38, 1-based): chr2:230,183,609, G>T on the plus strand (C>A on the coding strand, the complement: SP110 is on the minus strand). VCF-style: chr2-230183609-G-T. GRCh37 (hg19) VCF-style: chr2-231048325-G-T.
Other names: c.1329C>A, p.Ser443Arg (NM_001185015.2, NM_001378442.1, NM_001378444.1 and 2 more transcripts); c.1311C>A, p.Ser437Arg (NM_001378443.1, NM_004509.5, NM_004510.4); c.1161C>A, p.Ser387Arg (NM_001378447.1); short protein forms S387R, S437R, S443R.
Identifiers: ClinVar variation 970421 (VCV000970421.10), dbSNP rs199802117, ClinGen allele CA66739798.